The following is an entry in ClinVar:

NM_024422.6(DSC2):c.2017A>G (p.Thr673Ala)

Gene: DSC2 (desmocollin 2; minus strand). Cytogenetic location: 18q12.1.
Variant type: single nucleotide variant.
Coding change: c.2017A>G on transcript NM_024422.6 (MANE Select); coding-DNA position 2017, A replaced by G.
Protein change: p.Thr673Ala; replaces threonine 673 with alanine.
Molecular consequence: missense variant.
Genome position (GRCh38, 1-based): chr18:31,071,713, T>C on the plus strand (A>G on the coding strand, the complement: DSC2 is on the minus strand). VCF-style: chr18-31071713-T-C. GRCh37 (hg19) VCF-style: chr18-28651679-T-C.
Other names: c.1588A>G, p.Thr530Ala (NM_001406506.1, NM_001406507.1); c.2017A>G, p.Thr673Ala (NM_004949.5); short protein forms T673A, T530A.
Identifiers: ClinVar variation 3781275 (VCV003781275.2).
Genomic context (GRCh38, chr18:31,071,713, plus strand): 5'-CAAGTTGTACTCCTCCACCGCCAATCCTTGGATCTACACGATGTGTGCAGTCATTTTCGG[T>C]AATGCAGTCACACAGTGTAACATCCAATGAAGTGACACTAGACATGCCAAGTCTATCTCT-3'
Protein context (NP_077740.1, residues 663-683): SLDVTLCDCI[Thr673Ala]ENDCTHRVDP

ClinVar aggregate classification (germline): Uncertain significance. Review status: criteria provided, multiple submitters, no conflicts (2 of 4 stars). 2 submissions from 2 submitters: Uncertain significance (2). Last evaluated 2025-05-20.

Conditions:
Cardiomyopathy (CMYO). Also called: Cardiomyopathies. Identifiers: Orphanet 167848, MedGen C0878544, MONDO:0004994, HP:0001638. Inheritance: Various modes of inheritance.

gnomAD v4.1: 4 of 1,613,960 alleles (0.00025%); highest among the groups gnomAD compares: Middle Eastern, 0.033%; no homozygotes.

Submissions (2):

Color Diagnostics, LLC DBA Color Health
Classification: Uncertain significance for Cardiomyopathy. Last evaluated: 2025-05-20. Review status: criteria provided, single submitter. Criteria: ACMG Guidelines, 2015. Collection method: clinical testing. Allele origin: germline.
Comment: This missense variant replaces threonine with alanine at codon 673 of the DSC2 protein. Computational prediction suggests that this variant may not impact protein structure and function. To our knowledge, functional studies have not been reported for this variant. This variant has not been reported in individuals affected with DSC2-related disorders in the literature. This variant has been identified in 1/250738 chromosomes in the general population by the Genome Aggregation Database (gnomAD). The available evidence is insufficient to determine the role of this variant in disease conclusively. Therefore, this variant is classified as a Variant of Uncertain Significance.

GeneDx
Classification: Uncertain significance. Last evaluated: 2024-10-18. Review status: criteria provided, single submitter. Criteria: GeneDx Variant Classification Process June 2021. Collection method: clinical testing. Allele origin: germline. Affected: yes.
Comment: Not observed at significant frequency in large population cohorts (gnomAD); In silico analysis indicates that this missense variant does not alter protein structure/function; Has not been previously published as pathogenic or benign to our knowledge